The following is an entry in ClinVar:

ClinVar aggregate classification (germline): Likely benign. Review status: criteria provided, multiple submitters, no conflicts (2 of 4 stars). 2 submissions from 2 submitters: Likely benign (2). Last evaluated 2025-01-14.

Conditions:
FLNA-related disorder.
Heterotopia, periventricular, X-linked dominant (PVNH1). Also called: PERIVENTRICULAR NODULAR HETEROTOPIA 1; PERIVENTRICULAR NODULAR HETEROTOPIA 4; HETEROTOPIA, PERIVENTRICULAR, 1; X-linked periventricular heterotopia. Identifiers: Orphanet 2149, Orphanet 82004, MedGen C1848213, MONDO:0010233, OMIM 300049.
Melnick-Needles syndrome (MNS). Also called: Melnick-Needles Syndrome (FLNA-MNS); MELNICK-NEEDLES OSTEODYSPLASTY; OSTEODYSPLASTY OF MELNICK AND NEEDLES. Identifiers: Orphanet 2484, MedGen C0025237, MONDO:0010650, OMIM 309350.
Oto-palato-digital syndrome, type II (OPD2). Also called: Otopalatodigital Syndrome Type 2 (FLNA-OPD2); Otopalatodigital Syndrome, Type II; FACIOPALATOOSSEOUS SYNDROME; OPD II SYNDROME. Identifiers: Orphanet 669, Orphanet 90652, MedGen C1844696, MONDO:0010571, OMIM 304120.
Frontometaphyseal dysplasia (FMD1). Identifiers: Orphanet 1826, MedGen C0265293, MONDO:0015942.

gnomAD v4.1: 1 of 1,207,586 alleles (0.000083%); highest among the groups gnomAD compares: African/African-American, 0.0017%; no homozygotes.

Submissions (2):

PreventionGenetics, part of Exact Sciences
Classification: Likely benign for FLNA-related condition. Last evaluated: 2025-01-14. Review status: criteria provided, single submitter. Criteria: ACMG Guidelines, 2015. Collection method: clinical testing. Allele origin: germline.
Comment: This variant is classified as likely benign based on ACMG/AMP sequence variant interpretation guidelines (Richards et al. 2015 PMID: 25741868, with internal and published modifications).

Labcorp Genetics (formerly Invitae), Labcorp
Classification: Likely benign for Oto-palato-digital syndrome, type II; Heterotopia, periventricular, X-linked dominant; Frontometaphyseal dysplasia; Melnick-Needles syndrome. Last evaluated: 2024-03-22. Review status: criteria provided, single submitter. Criteria: Invitae Variant Classification Sherloc (09022015). Collection method: clinical testing. Allele origin: germline.

NM_001110556.2(FLNA):c.5218-8C>A

Gene: FLNA (filamin A; minus strand). Cytogenetic location: Xq28.
Variant type: single nucleotide variant.
Coding change: c.5218-8C>A on transcript NM_001110556.2 (MANE Select); 8 bases into the intron before coding-DNA position 5218, C replaced by A.
Molecular consequence: intron variant.
Genome position (GRCh38, 1-based): chrX:154,354,719, G>T on the plus strand (C>A on the coding strand, the complement: FLNA is on the minus strand). VCF-style: chrX-154354719-G-T. GRCh37 (hg19) VCF-style: chrX-153583087-G-T.
Other names: c.5194-8C>A (NM_001456.4); c.5218-8C>A (NM_001110556.1).
Identifiers: ClinVar variation 3748070 (VCV003748070.3).
Genomic context (GRCh38, chrX:154,354,719, plus strand): 5'-AGCTGCTGAGACCGTAGAGGGGGCTGCACCGAGGGCTGGTCCCCAGCCAGAGCCTGCAGG[G>T]CAAAGCAGAGAGCTGCTGGAGAGTCTGTTGTCACAGAGGGGCCCCAGGGGAACAGGCCGG-3'